The following is an entry in ClinVar:

NM_001048174.2(MUTYH):c.116-45C>T

Gene: MUTYH (mutY DNA glycosylase; minus strand). Cytogenetic location: 1p34.1.
Variant type: single nucleotide variant.
Coding change: c.116-45C>T on transcript NM_001048174.2 (MANE Select); 45 bases into the intron before coding-DNA position 116, C replaced by T.
Molecular consequence: intron variant.
Genome position (GRCh38, 1-based): chr1:45,333,606, G>A on the plus strand (C>T on the coding strand, the complement: MUTYH is on the minus strand). VCF-style: chr1-45333606-G-A. GRCh37 (hg19) VCF-style: chr1-45799278-G-A.
Other names: c.-14C>T (NM_001407075.1); c.-92-109C>T (NM_001350651.2); c.-97-109C>T (NM_001293192.2, NM_001293196.2); c.-156-45C>T (NM_001350650.2); c.116-45C>T (NM_001048171.2, NM_001048173.2, NM_001293195.2); c.158-42C>T (NM_001293190.2); c.158-12C>T (NM_012222.3); c.158-3C>T (NM_001128425.2, NM_001128425.1); and 2 more.
Identifiers: ClinVar variation 2417552 (VCV002417552.7), dbSNP rs781532437, ClinGen allele CA055632.

ClinVar aggregate classification (germline): Uncertain significance. Review status: criteria provided, multiple submitters, no conflicts (2 of 4 stars). 2 submissions from 2 submitters: Uncertain significance (2). Last evaluated 2023-11-15.

Conditions:
Familial adenomatous polyposis 2. Also called: MUTYH Polyposis; FAP type 2; Adenomas, multiple colorectal; COLORECTAL ADENOMATOUS POLYPOSIS, AUTOSOMAL RECESSIVE; ADENOMAS, MULTIPLE COLORECTAL, AUTOSOMAL RECESSIVE; MUTYH-associated polyposis. Identifiers: Orphanet 220460, Orphanet 247798, MedGen C3272841, MONDO:0012041, OMIM 608456.
Hereditary cancer-predisposing syndrome. Also called: Tumor predisposition; Hereditary Cancer Syndrome; Hereditary neoplastic syndrome; Neoplastic Syndromes, Hereditary. Identifiers: Orphanet 140162, MedGen C0027672, MeSH D009386, MONDO:0015356.

Allele frequency attached by ClinVar (database versions not stated): TOPMed below 0.00001; ExAC 0.00001; gnomAD 0.00001.
gnomAD v4.1: 3 of 1,602,878 alleles (0.00019%); highest among the groups gnomAD compares: Non-Finnish European, 0.000085%; no homozygotes.

Submissions (2):

Ambry Genetics
Classification: Uncertain significance for Hereditary cancer-predisposing syndrome. Last evaluated: 2023-11-15. Review status: criteria provided, single submitter. Criteria: Ambry Variant Classification Scheme 2023. Collection method: clinical testing. Allele origin: germline.
Comment: The c.158-3C>T intronic variant results from a C to T substitution 3 nucleotides upstream from coding exon 3 in the MUTYH gene. This nucleotide position is well conserved in available vertebrate species. In silico splice site analysis predicts that this alteration will not have any significant effect on splicing. Since supporting evidence is limited at this time, the clinical significance of this alteration remains unclear.

Labcorp Genetics (formerly Invitae), Labcorp
Classification: Uncertain significance for Familial adenomatous polyposis 2. Last evaluated: 2022-08-19. Review status: criteria provided, single submitter. Criteria: Invitae Variant Classification Sherloc (09022015). Collection method: clinical testing. Allele origin: germline.
Comment: This variant is present in population databases (rs781532437, gnomAD 0.0009%). This sequence change falls in intron 2 of the MUTYH gene. It does not directly change the encoded amino acid sequence of the MUTYH protein. It affects a nucleotide within the consensus splice site. In summary, the available evidence is currently insufficient to determine the role of this variant in disease. Therefore, it has been classified as a Variant of Uncertain Significance. Variants that disrupt the consensus splice site are a relatively common cause of aberrant splicing (PMID: 17576681, 9536098). Algorithms developed to predict the effect of sequence changes on RNA splicing suggest that this variant is not likely to affect RNA splicing. This variant has not been reported in the literature in individuals affected with MUTYH-related conditions.

Literature cited by the submitters: PubMed 17576681 (cited by Labcorp Genetics (formerly Invitae), Labcorp); PubMed 9536098 (cited by Labcorp Genetics (formerly Invitae), Labcorp).